The following is an entry in ClinVar:

NM_000360.4(TH):c.739G>A (p.Ala247Thr)

Gene: TH (tyrosine hydroxylase; minus strand). Cytogenetic location: 11p15.5.
Variant type: single nucleotide variant.
Coding change: c.739G>A on transcript NM_000360.4 (MANE Select); coding-DNA position 739, G replaced by A.
Protein change: p.Ala247Thr; replaces alanine 247 with threonine.
Molecular consequence: missense variant.
Genome position (GRCh38, 1-based): chr11:2,166,989, C>T on the plus strand (G>A on the coding strand, the complement: TH is on the minus strand). VCF-style: chr11-2166989-C-T. GRCh37 (hg19) VCF-style: chr11-2188219-C-T.
Other names: c.832G>A, p.Ala278Thr (NM_199292.3); c.820G>A, p.Ala274Thr (NM_199293.3); short protein forms A247T, A274T, A278T.
Identifiers: ClinVar variation 2174771 (VCV002174771.2), dbSNP rs373283527, ClinGen allele CA379126968.

ClinVar aggregate classification (germline): Uncertain significance. Review status: criteria provided, multiple submitters, no conflicts (2 of 4 stars). 2 submissions from 2 submitters: Uncertain significance (2). Last evaluated 2024-04-30.

Conditions:
TH-deficient dopa-responsive dystonia. Also called: Tyrosine Hydroxylase-Deficient Dopa-Responsive Dystonia; Segawa syndrome, autosomal recessive; DYT-TH. Identifiers: Orphanet 101150, MedGen C2673535, MONDO:0011551, OMIM 605407.

gnomAD v4.1: 1 of 1,590,208 alleles (0.000063%); highest among the groups gnomAD compares: Non-Finnish European, 0.000086%; no homozygotes.

Submissions (2):

Women's Health and Genetics/Laboratory Corporation of America, LabCorp
Classification: Uncertain significance. Last evaluated: 2024-04-30. Review status: criteria provided, single submitter. Criteria: LabCorp Variant Classification Summary - May 2015. Collection method: clinical testing. Allele origin: germline.
Comment: Variant summary: TH c.832G>A (p.Ala278Thr) results in a non-conservative amino acid change located in the Aromatic amino acid hydroxylase, C-terminal domain (IPR019774) of the encoded protein sequence. Four of five in-silico tools predict a damaging effect of the variant on protein function. The frequency data for this variant in gnomAD is considered unreliable, as metrics indicate poor data quality at this position. c.832G>A has been reported in the literature in an individual affected with Segawa Syndrome, Autosomal Recessive (Wang_2022). These data do not allow any conclusion about variant significance. To our knowledge, no experimental evidence demonstrating an impact on protein function has been reported. This variant is also known as c.739G>A(p.A247T). The following publication have been ascertained in the context of this evaluation (PMID: 36568392). ClinVar contains an entry for this variant (Variation ID: 2174771). Based on the evidence outlined above, the variant was classified as uncertain significance.

Labcorp Genetics (formerly Invitae), Labcorp
Classification: Uncertain significance for TH-deficient dopa-responsive dystonia. Last evaluated: 2022-06-08. Review status: criteria provided, single submitter. Criteria: Invitae Variant Classification Sherloc (09022015). Collection method: clinical testing. Allele origin: germline.
Comment: This sequence change replaces alanine, which is neutral and non-polar, with threonine, which is neutral and polar, at codon 278 of the TH protein (p.Ala278Thr). This variant is not present in population databases (gnomAD no frequency). This variant has not been reported in the literature in individuals affected with TH-related conditions. Advanced modeling of protein sequence and biophysical properties (such as structural, functional, and spatial information, amino acid conservation, physicochemical variation, residue mobility, and thermodynamic stability) performed at Invitae indicates that this missense variant is expected to disrupt TH protein function. In summary, the available evidence is currently insufficient to determine the role of this variant in disease. Therefore, it has been classified as a Variant of Uncertain Significance.

Literature cited by the submitters: PubMed 36568392 (cited by Women's Health and Genetics/Laboratory Corporation of America, LabCorp).